The following is an entry in ClinVar:

ClinVar aggregate classification (germline): Uncertain significance (1 of 4 stars; one submission).

Conditions:
Hyperkalemic periodic paralysis. Also called: Familial hyperkalemic periodic paralysis; Gamstorp disease. Identifiers: Orphanet 682, MedGen C0238357, MONDO:0008224, OMIM 170500, HP:0007215.

Allele frequency attached by ClinVar (database versions not stated): gnomAD exomes below 0.00001; TOPMed below 0.00001.
gnomAD v4.1: 2 of 1,606,134 alleles (0.00012%); highest among the groups gnomAD compares: Non-Finnish European, 0.00017%; no homozygotes.

Submission:

Labcorp Genetics (formerly Invitae), Labcorp
Classification: Uncertain significance for Hyperkalemic periodic paralysis. Last evaluated: 2023-11-09. Review status: criteria provided, single submitter. Criteria: Invitae Variant Classification Sherloc (09022015). Collection method: clinical testing. Allele origin: germline.
Comment: This sequence change affects codon 612 of the SCN4A mRNA. It is a 'silent' change, meaning that it does not change the encoded amino acid sequence of the SCN4A protein. This variant is not present in population databases (gnomAD no frequency). This variant has not been reported in the literature in individuals affected with SCN4A-related conditions. Algorithms developed to predict the effect of sequence changes on RNA splicing suggest that this variant may create or strengthen a splice site. In summary, the available evidence is currently insufficient to determine the role of this variant in disease. Therefore, it has been classified as a Variant of Uncertain Significance.

NM_000334.4(SCN4A):c.1836G>A (p.Val612=)

Gene: SCN4A (sodium voltage-gated channel alpha subunit 4; minus strand). Cytogenetic location: 17q23.3.
Variant type: single nucleotide variant.
Coding change: c.1836G>A on transcript NM_000334.4 (MANE Select); coding-DNA position 1836, G replaced by A.
Protein change: p.Val612=; no amino-acid change (valine 612 retained).
Molecular consequence: synonymous variant.
Genome position (GRCh38, 1-based): chr17:63,961,202, C>T on the plus strand (G>A on the coding strand, the complement: SCN4A is on the minus strand). VCF-style: chr17-63961202-C-T. GRCh37 (hg19) VCF-style: chr17-62038562-C-T.
Identifiers: ClinVar variation 2867637 (VCV002867637.3), dbSNP rs1909241083, ClinGen allele CA501349028.